The following continues an entry in ClinVar:

NM_000535.7(PMS2):c.1243G>A (p.Val415Met)

Gene: PMS2. ClinVar aggregate classification (germline): Conflicting classifications of pathogenicity. Uncertain significance (4); Benign (3); Likely benign (9).

Submissions 15 to 20 of 20:

Ambry Genetics
Classification: Likely benign for Hereditary cancer-predisposing syndrome. Last evaluated: 2019-04-29. Review status: criteria provided, single submitter. Criteria: Ambry Variant Classification Scheme 2023. Collection method: clinical testing. Allele origin: germline.

Illumina Laboratory Services, Illumina
Classification: Uncertain significance for Lynch syndrome 4. Last evaluated: 2018-01-12. Review status: criteria provided, single submitter. Criteria: ICSL Variant Classification Criteria 13 December 2019. Collection method: clinical testing. Allele origin: germline.

Oncological Genetic Counseling Clinic, "Carlo Poma" Hospital
Classification: Uncertain significance for Hereditary breast ovarian cancer syndrome. Last evaluated: 2022-08-16. Review status: no assertion criteria provided. Collection method: in vivo. Allele origin: germline. Inheritance: Autosomal dominant inheritance. Affected: yes. Observed: 1 heterozygote. Not counted in ClinVar's aggregate classification.

Clinical Genetics DNA and cytogenetics Diagnostics Lab, Erasmus MC, Erasmus Medical Center
Classification: Likely benign. Review status: no assertion criteria provided. Collection method: clinical testing. Allele origin: germline. Affected: yes. Study: VKGL Data-share Consensus. Not counted in ClinVar's aggregate classification.

Clinical Genetics, Academic Medical Center
Classification: Likely benign. Review status: no assertion criteria provided. Collection method: clinical testing. Allele origin: germline. Affected: yes. Study: VKGL Data-share Consensus. Not counted in ClinVar's aggregate classification.

Department of Pathology and Laboratory Medicine, Sinai Health System
Classification: Uncertain significance for Endometrial carcinoma. Review status: no assertion criteria provided. Collection method: clinical testing. Allele origin: unknown. Affected: yes. Observed: 1 variant allele. Study: The Canadian Open Genetics Repository (COGR). Not counted in ClinVar's aggregate classification.
Comment: The PMS2 p.Val415Met variant was identified in 3 of 456 proband chromosomes (frequency: 0.007) from individuals or families with lung adenocarcinoma, breast, ovarian or pancreatic cancer (Cock-Rada 2018, Drilon 2016, Hu 2016). The variant was also identified in dbSNP (ID: rs138387687 as "With Uncertain significance allele"), ClinVar (classified as likely benign by Ambry Genetics; as uncertain significance by Invitae, GeneDx, and Integrated Genetics/Laboratory Corporation of America), and Cosmic (3x in lung, stomach or salivary gland). The variant was not identified in GeneInsight-COGR, MutDB, Zhejiang University Database, Mismatch Repair Genes Variant Database, or Insight Hereditary Tumors Database. The variant was identified in control databases in 44 of 277090 chromosomes at a frequency of 0.0002 (Genome Aggregation Database Feb 27, 2017). The variant was observed in the following populations: African in 1 of 24008 chromosomes (freq: 0.00004), Latino in 10 of 34418 chromosomes (freq: 0.0003), European in 32 of 126634 chromosomes (freq: 0.0003), and Finnish in 1 of 25792 chromosomes (freq: 0.00004), while the variant was not observed in the Other, Ashkenazi Jewish, East Asian, or South Asian populations. The p.Val415 residue is not conserved in mammals and 4 of 5 computational analyses (PolyPhen-2, SIFT, AlignGVGD, BLOSUM, MutationTaster) do not suggest a high likelihood of impact to the protein; however, this information is not predictive enough to rule out pathogenicity. The variant occurs outside of the splicing consensus sequence and 4 of 4 in silico or computational prediction software programs (SpliceSiteFinder, MaxEntScan, NNSPLICE, GeneSplicer) do not predict a difference in splicing. In summary, based on the above information the clinical significance of this variant cannot be determined with certainty at this time. This variant is classified as a variant of uncertain significance.

Literature cited by the submitters: PubMed 26483394 (cited by 3 submitters); PubMed 26689913 (cited by Women's Health and Genetics/Laboratory Corporation of America, LabCorp and Quest Diagnostics Nichols Institute San Juan Capistrano); PubMed 25567908 (cited by 3 submitters); PubMed 27878467 (cited by 3 submitters); PubMed 28528518 (cited by 3 submitters); PubMed 26580448 (cited by Women's Health and Genetics/Laboratory Corporation of America, LabCorp and Quest Diagnostics Nichols Institute San Juan Capistrano); PubMed 31422574 (cited by Women's Health and Genetics/Laboratory Corporation of America, LabCorp and Quest Diagnostics Nichols Institute San Juan Capistrano); PubMed 31433215 (cited by 4 submitters); PubMed 35264596 (cited by Women's Health and Genetics/Laboratory Corporation of America, LabCorp); PubMed 35449176 (cited by Women's Health and Genetics/Laboratory Corporation of America, LabCorp); PubMed 31327751 (cited by Quest Diagnostics Nichols Institute San Juan Capistrano and Sema4); PubMed 29570743 (cited by Quest Diagnostics Nichols Institute San Juan Capistrano); PubMed 27050224 (cited by Quest Diagnostics Nichols Institute San Juan Capistrano).